The following is an entry in ClinVar:

NM_007294.4(BRCA1):c.5308G>C (p.Gly1770Arg)

Gene: BRCA1 (BRCA1 DNA repair associated; minus strand). Cytogenetic location: 17q21.31.
Variant type: single nucleotide variant.
Coding change: c.5308G>C on transcript NM_007294.4 (MANE Select); coding-DNA position 5308, G replaced by C.
Protein change: p.Gly1770Arg; replaces glycine 1770 with arginine.
Molecular consequence: missense variant. On other transcripts: non-coding transcript variant (1).
Genome position (GRCh38, 1-based): chr17:43,051,087, C>G on the plus strand (G>C on the coding strand, the complement: BRCA1 is on the minus strand). VCF-style: chr17-43051087-C-G. GRCh37 (hg19) VCF-style: chr17-41203104-C-G.
Other names: c.5095G>C, p.Gly1699Arg (NM_001407571.1, NM_001407894.1, NM_001407895.1 and 12 more transcripts); c.5374G>C, p.Gly1792Arg (NM_001407581.1, NM_001407582.1); c.5371G>C, p.Gly1791Arg (NM_001407583.1, NM_001407585.1, NM_001407587.1 and 1 more transcripts); c.5368G>C, p.Gly1790Arg (NM_001407590.1, NM_001407591.1); c.5308G>C, p.Gly1770Arg (NM_001407593.1, NM_001407594.1, NM_001407596.1 and 6 more transcripts); c.5305G>C, p.Gly1769Arg (NM_001407610.1, NM_001407621.1, NM_001407622.1 and 17 more transcripts); c.5302G>C, p.Gly1768Arg (NM_001407627.1, NM_001407628.1, NM_001407629.1 and 14 more transcripts); c.5299G>C, p.Gly1767Arg (NM_001407644.1, NM_001407645.1); and 72 more; short protein forms G1723R, G1770R, G1791R, G666R, G1473R, G1643R, G1700R, G1701R.
Identifiers: ClinVar variation 867978 (VCV000867978.3), dbSNP rs2051203696, ClinGen allele CA10590932.
Genomic context (GRCh38, chr17:43,051,087, plus strand): 5'-TGGTGCTGGAACTCTGGGGTTCTCCCAGGCTCTTACCTGTGGGCATGTTGGTGAAGGGCC[C>G]ATAGCAACAGATTTCTAGCCCCCTGAAGATCTGGAAGAAGAGAGGAAGAGAGAGGGACAG-3'
Protein context (NP_009225.1, residues 1760-1780): IFRGLEICCY[Gly1770Arg]PFTNMPTDQL

Conditions:
Breast-ovarian cancer, familial, susceptibility to, 1 (BROVCA1). Also called: BRCA1 Hereditary Breast and Ovarian Cancer; OVARIAN CANCER, SUSCEPTIBILITY TO. Identifiers: Orphanet 145, MedGen C2676676, MONDO:0011450, OMIM 604370. Disease mechanism: loss of function.

Submission:

Brotman Baty Institute, University of Washington
No classification provided (evidence only). Condition: Breast-ovarian cancer, familial 1. Review status: no classification provided. Collection method: in vitro. Allele origin: not applicable. Functional consequence: functionally_abnormal.
ClinVar note: "not provided" was previously submitted as the classification for the variant. However, the classification appeared to be based only on an observation of functional data so it was converted to no classification on 2025-07-30.